The following is an entry in ClinVar:

ClinVar aggregate classification (germline): Pathogenic. Review status: criteria provided, multiple submitters, no conflicts (2 of 4 stars). 4 submissions from 4 submitters: Pathogenic (2). 2 of the submissions do not count toward it. Last evaluated 2025-01-16.

Conditions:
Polycystic kidney disease, adult type (PKD1). Also called: Polycystic Kidney Disease 1, Autosomal Dominant; Polycystic kidney disease 1; Polycystic kidney disease 1, severe; POLYCYSTIC KIDNEY DISEASE 1 WITH OR WITHOUT POLYCYSTIC LIVER DISEASE; Polycystic Kidney, Autosomal Dominant; POLYCYSTIC KIDNEY DISEASE, ADULT, TYPE I. Identifiers: MedGen C3149841, MONDO:0008263, OMIM 173900.

Submissions (4):

GeneDx
Classification: Pathogenic. Last evaluated: 2025-01-16. Review status: criteria provided, single submitter. Criteria: GeneDx Variant Classification Process June 2021. Collection method: clinical testing. Allele origin: germline. Affected: yes.
Comment: Frameshift variant predicted to result in protein truncation or nonsense mediated decay in a gene for which loss-of-function is a known mechanism of disease; Not observed at significant frequency in large population cohorts (gnomAD); This variant is associated with the following publications: (PMID: 30586318, 38057357, 23300259)

Juno Genomics, Hangzhou Juno Genomics, Inc
Classification: Pathogenic for Polycystic kidney disease, adult type. Review status: criteria provided, single submitter. Criteria: ACMG Guidelines, 2015. Collection method: clinical testing. Allele origin: germline. Affected: yes.
Comment: Null variant in a gene where loss of function (LOF) is a known mechanism of disease.;Absent from controls (or at extremely low frequency if recessive) in Genome Aggregation Database, Exome Sequencing Project, 1000 Genomes Project, or Exome Aggregation Consortium.;The prevalence of the variant in affected individuals is significantly increased compared to the prevalence in controls.;Patient's phenotype or family history is highly specific for a disease with a single genetic etiology.

Gharavi Laboratory, Columbia University
Classification: Pathogenic for Polycystic kidney disease 1. Last evaluated: 2024-11-05. Review status: no assertion criteria provided. Criteria: ACMG Guidelines, 2015. Collection method: case-control. Allele origin: germline. Affected: yes. Not counted in ClinVar's aggregate classification.

Genomics And Bioinformatics Analysis Resource, Columbia University
Classification: Pathogenic for Polycystic kidney disease, adult type. Review status: no assertion criteria provided. Collection method: research. Allele origin: unknown. Affected: yes. Not counted in ClinVar's aggregate classification.

NM_001009944.3(PKD1):c.9914_9915del (p.Ser3305fs)

Gene: PKD1 (polycystin 1, transient receptor potential channel interacting; minus strand). Cytogenetic location: 16p13.3.
Variant type: Microsatellite.
Coding change: c.9914_9915del on transcript NM_001009944.3 (MANE Select); coding-DNA positions 9914 to 9915, 2 bases deleted (CT; older notation c.9914_9915delCT).
Protein change: p.Ser3305fs; shifts the reading frame from serine 3305.
Molecular consequence: frameshift variant.
Genome position (GRCh38, 1-based): chr16:2,099,869-2,099,870, AG deleted on the plus strand (CT on the coding strand, the reverse complement: PKD1 is on the minus strand); deleting any 2 consecutive bases within chr16:2,099,869-2,099,872 gives the same sequence; the c. name uses the placement nearest the transcript's 3' end. VCF-style (leftmost placement, unchanged base first): chr16-2099868-CAG-C. GRCh37 (hg19) VCF-style: chr16-2149869-CAG-C.
Other names: c.9914_9915del, p.Ser3305fs (NM_000296.4); c.9914_9915del (NM_001009944.2); c.9914_9915delCT (NM_001009944.3); short protein forms S3305fs.
Identifiers: ClinVar variation 562331 (VCV000562331.6), dbSNP rs1567169638, ClinGen allele CA658824282.
Genomic context (GRCh38, chr16:2,099,868, plus strand): 5'-GGGGCAGGAAGGGCTGGGCAGGAAGAGGCTGCCCCGACCCCTACGGCACCCACCTGTAGG[CAG>C]AGTCGCCAACAGCCCCGTACCACACGGCGTTGGCGCCCAGGAAGAGGCAGATGAGGAGAA-3'